The following is an entry in ClinVar:

NM_001291867.2(NHS):c.3798C>G (p.Asn1266Lys)

Gene: NHS (NHS actin remodeling regulator; plus strand). Cytogenetic location: Xp22.13.
Variant type: single nucleotide variant.
Coding change: c.3798C>G on transcript NM_001291867.2 (MANE Select); coding-DNA position 3798, C replaced by G.
Protein change: p.Asn1266Lys; replaces asparagine 1266 with lysine.
Molecular consequence: missense variant.
Genome position (GRCh38, 1-based): chrX:17,727,904, C>G. VCF-style: chrX-17727904-C-G. GRCh37 (hg19) VCF-style: chrX-17746024-C-G.
Other names: c.3267C>G, p.Asn1089Lys (NM_001136024.4); c.3204C>G, p.Asn1068Lys (NM_001291868.2); c.3735C>G, p.Asn1245Lys (NM_198270.4); short protein forms N1068K, N1089K, N1245K, N1266K.
Identifiers: ClinVar variation 2636770 (VCV002636770.2), dbSNP rs1364085112, ClinGen allele CA412366159.

ClinVar aggregate classification (germline): Conflicting classifications of pathogenicity. Review status: criteria provided, conflicting classifications (1 of 4 stars). 2 submissions from 2 submitters: Uncertain significance (1); Likely benign (1). Last evaluated 2024-03-02.

Conditions:
NHS-related disorder. Also called: NHS-related condition.

Allele frequency attached by ClinVar (database versions not stated): gnomAD exomes 0.00001; TOPMed 0.00001; gnomAD 0.00002.
gnomAD v4.1: 11 of 1,210,258 alleles (0.00091%); highest among the groups gnomAD compares: Non-Finnish European, 0.0011%; no homozygotes.

Submissions (2):

Blueprint Genetics
Classification: Likely benign. Last evaluated: 2024-03-02. Review status: criteria provided, single submitter. Criteria: ACMG Guidelines, 2015. Collection method: clinical testing. Allele origin: germline.

PreventionGenetics, part of Exact Sciences
Classification: Uncertain significance for NHS-related condition. Last evaluated: 2023-01-24. Review status: criteria provided, single submitter. Criteria: ACMG Guidelines, 2015. Collection method: clinical testing. Allele origin: germline.
Comment: The NHS c.3735C>G variant is predicted to result in the amino acid substitution p.Asn1245Lys. To our knowledge, this variant has not been reported in the literature. This variant is reported in 0.0032% of alleles in individuals of European (Non-Finnish) descent in gnomAD including 2 hemizygous individuals. Although we suspect that this variant may be benign, at this time, the clinical significance of this variant is uncertain due to the absence of conclusive functional and genetic evidence.